The following is an entry in ClinVar:

ClinVar aggregate classification (germline): Uncertain significance (1 of 4 stars; one submission).

Conditions:
TTN-related disorder. Also called: TTN-related disorders; TTN-related condition; TTN-related disease.

gnomAD v4.1: 10 of 1,614,036 alleles (0.00062%); highest among the groups gnomAD compares: South Asian, 0.0011%; no homozygotes.

Submission:

PreventionGenetics, part of Exact Sciences
Classification: Uncertain significance for TTN-related condition. Last evaluated: 2026-08-24. Review status: criteria provided, single submitter. Criteria: ACMG Guidelines, 2015. Collection method: clinical testing. Allele origin: germline.
Comment: The TTN c.2858C>G variant is predicted to result in the amino acid substitution p.Thr953Ser. To our knowledge, this variant has not been reported in the literature. This variant is reported in 0.0033% of alleles in individuals of South Asian descent in gnomAD. At this time, the clinical significance of this variant is uncertain due to the absence of conclusive functional and genetic evidence.

NM_001267550.2(TTN):c.2858C>G (p.Thr953Ser)

Gene: TTN (titin; minus strand). Cytogenetic location: 2q31.2.
Variant type: single nucleotide variant.
Coding change: c.2858C>G on transcript NM_001267550.2 (MANE Select); coding-DNA position 2858, C replaced by G.
Protein change: p.Thr953Ser; replaces threonine 953 with serine.
Molecular consequence: missense variant.
Genome position (GRCh38, 1-based): chr2:178,783,048, G>C on the plus strand (C>G on the coding strand, the complement: TTN is on the minus strand). VCF-style: chr2-178783048-G-C. GRCh37 (hg19) VCF-style: chr2-179647775-G-C.
Other names: c.2858C>G, p.Thr953Ser (NM_001256850.1, NM_133378.4, NM_133379.5); c.2720C>G, p.Thr907Ser (NM_003319.4, NM_133432.3, NM_133437.4); short protein forms T953S, T907S.
Identifiers: ClinVar variation 4988161 (VCV004988161.1).